The following is an entry in ClinVar:

ClinVar aggregate classification (germline): Uncertain significance (1 of 4 stars; one submission).

Submission:

GeneDx
Classification: Uncertain significance. Last evaluated: 2024-03-18. Review status: criteria provided, single submitter. Criteria: GeneDx Variant Classification Process June 2021. Collection method: clinical testing. Allele origin: germline. Affected: yes.
Comment: Not observed at significant frequency in large population cohorts (gnomAD); In silico analysis supports that this missense variant does not alter protein structure/function; Has not been previously published as pathogenic or benign to our knowledge

NM_005121.3(MED13):c.2255T>C (p.Ile752Thr)

Gene: MED13 (mediator complex subunit 13; minus strand). Cytogenetic location: 17q23.2.
Variant type: single nucleotide variant.
Coding change: c.2255T>C on transcript NM_005121.3 (MANE Select); coding-DNA position 2255, T replaced by C.
Protein change: p.Ile752Thr; replaces isoleucine 752 with threonine.
Molecular consequence: missense variant.
Genome position (GRCh38, 1-based): chr17:61,992,548, A>G on the plus strand (T>C on the coding strand, the complement: MED13 is on the minus strand). VCF-style: chr17-61992548-A-G. GRCh37 (hg19) VCF-style: chr17-60069909-A-G.
Other names: short protein forms I752T.
Identifiers: ClinVar variation 3370810 (VCV003370810.1).